The following is an entry in ClinVar:

NM_015512.5(DNAH1):c.10394A>G (p.Asn3465Ser)

Gene: DNAH1 (dynein axonemal heavy chain 1; plus strand). Cytogenetic location: 3p21.1.
Variant type: single nucleotide variant.
Coding change: c.10394A>G on transcript NM_015512.5 (MANE Select); coding-DNA position 10394, A replaced by G.
Protein change: p.Asn3465Ser; replaces asparagine 3465 with serine.
Molecular consequence: missense variant.
Genome position (GRCh38, 1-based): chr3:52,392,945, A>G. VCF-style: chr3-52392945-A-G. GRCh37 (hg19) VCF-style: chr3-52426961-A-G.
Other names: short protein forms N3465S.
Identifiers: ClinVar variation 977587 (VCV000977587.5), dbSNP rs375477856, ClinGen allele CA2435821.

ClinVar aggregate classification (germline): Uncertain significance. Review status: criteria provided, multiple submitters, no conflicts (2 of 4 stars). 2 submissions from 2 submitters: Uncertain significance (2). Last evaluated 2023-12-07.

Conditions:
Primary ciliary dyskinesia. Also called: Ciliary dyskinesia. Identifiers: Orphanet 244, MedGen C0008780, MONDO:0016575, HP:0012265.
Spermatogenic failure 18. Identifiers: MedGen C4539783, MONDO:0054615, OMIM 617576.
Ciliary dyskinesia, primary, 37 (CILD37). Also called: CILIARY DYSKINESIA, PRIMARY, 37, WITH OR WITHOUT SITUS INVERSUS. Identifiers: MedGen C4539798, MONDO:0033204, OMIM 617577.

Allele frequency attached by ClinVar (database versions not stated): ExAC 0.00007; ESP Exome Variant Server 0.00008; TOPMed 0.00010.
gnomAD v4.1: 216 of 1,613,496 alleles (0.013%); highest among the groups gnomAD compares: Non-Finnish European, 0.017%; 1 homozygote.

Submissions (2):

Labcorp Genetics (formerly Invitae), Labcorp
Classification: Uncertain significance for Ciliary dyskinesia, primary, 37; Spermatogenic failure 18. Last evaluated: 2023-12-07. Review status: criteria provided, single submitter. Criteria: Invitae Variant Classification Sherloc (09022015). Collection method: clinical testing. Allele origin: germline.
Comment: This sequence change replaces asparagine, which is neutral and polar, with serine, which is neutral and polar, at codon 3465 of the DNAH1 protein (p.Asn3465Ser). This variant is present in population databases (rs375477856, gnomAD 0.009%). This variant has not been reported in the literature in individuals affected with DNAH1-related conditions. ClinVar contains an entry for this variant (Variation ID: 977587). Advanced modeling of protein sequence and biophysical properties (such as structural, functional, and spatial information, amino acid conservation, physicochemical variation, residue mobility, and thermodynamic stability) performed at Invitae indicates that this missense variant is not expected to disrupt DNAH1 protein function with a negative predictive value of 80%. In summary, the available evidence is currently insufficient to determine the role of this variant in disease. Therefore, it has been classified as a Variant of Uncertain Significance.

UNC Molecular Genetics  Laboratory, University of North Carolina at Chapel Hill
Classification: Uncertain significance for Primary ciliary dyskinesia. Last evaluated: 2019-04-18. Review status: criteria provided, single submitter. Criteria: ACMG Guidelines, 2015. Collection method: clinical testing. Allele origin: germline. Affected: no. Observed: 1 heterozygote.